The following is an entry in ClinVar:

ClinVar aggregate classification (germline): Uncertain significance (1 of 4 stars; one submission).

Submission:

Labcorp Genetics (formerly Invitae), Labcorp
Classification: Uncertain significance. Last evaluated: 2025-03-17. Review status: criteria provided, single submitter. Criteria: Invitae Variant Classification Sherloc (09022015). Collection method: clinical testing. Allele origin: germline.
Comment: This variant, c.270_272del, results in the deletion of 1 amino acid(s) of the SON protein (p.Ser90del), but otherwise preserves the integrity of the reading frame. This variant is not present in population databases (gnomAD no frequency). This variant has not been reported in the literature in individuals affected with SON-related conditions. ClinVar contains an entry for this variant (Variation ID: 2730771). Experimental studies and prediction algorithms are not available or were not evaluated, and the functional significance of this variant is currently unknown. In summary, the available evidence is currently insufficient to determine the role of this variant in disease. Therefore, it has been classified as a Variant of Uncertain Significance.

NM_138927.4(SON):c.270_272del (p.Ser90del)

Gene: SON (SON DNA and RNA binding protein; plus strand). Cytogenetic location: 21q22.11.
Variant type: Deletion.
Coding change: c.270_272del on transcript NM_138927.4 (MANE Select); coding-DNA positions 270 to 272, 3 bases deleted (TAG; older notation c.270_272delTAG).
Protein change: p.Ser90del; deletes serine 90.
Molecular consequence: inframe deletion. On other transcripts: inframe indel (3), non-coding transcript variant (1), intron variant (1).
Genome position (GRCh38, 1-based): chr21:33,549,501-33,549,503, TAG deleted; deleting any 3 consecutive bases within chr21:33,549,499-33,549,503 gives the same sequence; the c. name uses the placement nearest the transcript's 3' end. VCF-style (leftmost placement, unchanged base first): chr21-33549498-AAGT-A. GRCh37 (hg19) VCF-style: chr21-34921804-AAGT-A.
Other names: c.270_272del, p.Ser90del (NM_001291411.2, NM_032195.3); c.270_272delTAG, p.Ser90del (NM_001412133.1, NM_058183.2, NM_138926.1); c.244+3122_244+3124del (NM_001291412.3); short protein forms S90del.
Identifiers: ClinVar variation 2730771 (VCV002730771.3), dbSNP rs2517344060, ClinGen allele CA2697547485.